The following is an entry in ClinVar:

NM_016955.4(SEPSECS):c.1393C>T (p.Arg465Ter)

Gene: SEPSECS (Sep (O-phosphoserine) tRNA:Sec (selenocysteine) tRNA synthase; minus strand). Cytogenetic location: 4p15.2.
Variant type: single nucleotide variant.
Coding change: c.1393C>T on transcript NM_016955.4 (MANE Select); coding-DNA position 1393, C replaced by T.
Protein change: p.Arg465Ter; replaces arginine 465 with a stop codon.
Molecular consequence: nonsense.
Genome position (GRCh38, 1-based): chr4:25,124,044, G>A on the plus strand (C>T on the coding strand, the complement: SEPSECS is on the minus strand). VCF-style: chr4-25124044-G-A. GRCh37 (hg19) VCF-style: chr4-25125666-G-A.
Other names: short protein forms R465*.
Identifiers: ClinVar variation 632438 (VCV000632438.15), dbSNP rs773969315, ClinGen allele CA2877152.

ClinVar aggregate classification (germline): Conflicting classifications of pathogenicity. Review status: criteria provided, conflicting classifications (1 of 4 stars). 5 submissions from 5 submitters: Pathogenic (3); Likely pathogenic (1); Uncertain significance (1). Last evaluated 2025-07-31.

Conditions:
Pontocerebellar hypoplasia type 2D (PCH2D). Also called: Progressive cerebello-cerebral atrophy. Identifiers: Orphanet 247198, Orphanet 2524, MedGen C3151140, MONDO:0013438, OMIM 613811.
Pontoneocerebellar hypoplasia. Also called: Pontocerebellar hypoplasia; Non-syndromic pontocerebellar hypoplasia. Identifiers: Orphanet 98523, MedGen C1261175, MONDO:0020135.
Spastic ataxia. Identifiers: Orphanet 316226, MedGen C1849156, MONDO:0017845, HP:0002497.

Allele frequency attached by ClinVar (database versions not stated): gnomAD exomes 0.00001 and 0.00002; ExAC 0.00002; gnomAD 0.00002 and 0.00003; TOPMed 0.00002.
gnomAD v4.1: 16 of 1,613,382 alleles (0.00099%); highest among the groups gnomAD compares: African/African-American, 0.0027%; no homozygotes.

Submissions (5):

Natera, Inc.
Classification: Likely pathogenic for Pontocerebellar hypoplasia type 2d. Last evaluated: 2025-07-31. Review status: criteria provided, single submitter. Criteria: Natera Variant Classification Schema (03/2026). Collection method: clinical testing. Allele origin: germline.
Comment: The c.1393C>T variant in SEPSECS is a nonsense variant predicted to introduce a stop codon at amino acid 465. This variant is expected to result in nonsense mediated decay, truncation, or a dysfunctional protein product. This variant is rare in the general population with a frequency below the threshold expected for the associated phenotype(s). Given the available evidence, this variant is classified as Likely Pathogenic.

Labcorp Genetics (formerly Invitae), Labcorp
Classification: Pathogenic. Last evaluated: 2025-07-01. Review status: criteria provided, single submitter. Criteria: Invitae Variant Classification Sherloc (09022015). Collection method: clinical testing. Allele origin: germline.
Comment: This sequence change creates a premature translational stop signal (p.Arg465*) in the SEPSECS gene. While this is not anticipated to result in nonsense mediated decay, it is expected to disrupt the last 37 amino acid(s) of the SEPSECS protein. This variant is present in population databases (rs773969315, gnomAD 0.004%). This variant has not been reported in the literature in individuals affected with SEPSECS-related conditions. ClinVar contains an entry for this variant (Variation ID: 632438). This variant disrupts a region of the SEPSECS protein in which other variant(s) (p.Glu477*) have been determined to be pathogenic (internal data). This suggests that this is a clinically significant region of the protein, and that variants that disrupt it are likely to be disease-causing. For these reasons, this variant has been classified as Pathogenic.

Women's Health and Genetics/Laboratory Corporation of America, LabCorp
Classification: Pathogenic for Pontoneocerebellar hypoplasia. Last evaluated: 2025-04-17. Review status: criteria provided, single submitter. Criteria: LabCorp Variant Classification Summary - May 2015. Collection method: clinical testing. Allele origin: germline.
Comment: Variant summary: SEPSECS c.1393C>T (p.Arg465X) results in a premature termination codon, predicted to cause a truncation of the encoded protein but is not expected to undergo nonsense mediated decay. The variant allele was found at a frequency of 2e-05 in 251088 control chromosomes (gnomAD). c.1393C>T has been observed in the literature in at least an individual affected with hereditary spastic ataxia (Galatolo_2021). To our knowledge, no experimental evidence demonstrating an impact on protein function has been reported. A downstream pathogenic variant (c.1466A>T ; p.Asp489Val) has been reported by our laboratory. The following publication has been ascertained in the context of this evaluation (PMID: 34445196). ClinVar contains an entry for this variant (Variation ID: 632438). Based on the evidence outlined above, the variant was classified as pathogenic.

Department of Pathology and Laboratory Medicine, Sinai Health System
Classification: Uncertain significance for Pontocerebellar hypoplasia type 2D. Last evaluated: 2023-01-19. Review status: criteria provided, single submitter. Criteria: ACMG Guidelines, 2015. Collection method: research. Allele origin: germline.

Molecular Medicine for Neurodegenerative and Neuromuscular Diseases Unit, IRCCS Fondazione Stella Maris
Classification: Pathogenic for Spastic ataxia. Last evaluated: 2021-01-04. Review status: criteria provided, single submitter. Criteria: ACMG Guidelines, 2015. Collection method: research. Allele origin: unknown. Affected: yes.

Literature cited by the submitters: PubMed 34445196 (cited by Women's Health and Genetics/Laboratory Corporation of America, LabCorp).